The following is an entry in ClinVar:

ClinVar aggregate classification (germline): Uncertain significance (1 of 4 stars; one submission).

Conditions:
Neurofibromatosis, type 1 (NF1). Also called: VON RECKLINGHAUSEN DISEASE; NEUROFIBROMATOSIS, TYPE I, SOMATIC; Peripheral type neurofibromatosis; Neurofibromatosis, type I. Identifiers: Orphanet 636, MedGen C0027831, MONDO:0018975, OMIM 162200. Disease mechanism: loss of function.

Submission:

Labcorp Genetics (formerly Invitae), Labcorp
Classification: Uncertain significance for Neurofibromatosis, type 1. Last evaluated: 2024-09-21. Review status: criteria provided, single submitter. Criteria: Invitae Variant Classification Sherloc (09022015). Collection method: clinical testing. Allele origin: germline.
Comment: This sequence change replaces glycine, which is neutral and non-polar, with aspartic acid, which is acidic and polar, at codon 1166 of the NF1 protein (p.Gly1166Asp). Information on the frequency of this variant in the gnomAD database is not available, as this variant may be reported differently in the database. This missense change has been observed in individual(s) with NF1-related conditions (PMID: 7981679). An algorithm developed to predict the effect of missense changes on protein structure and function (PolyPhen-2) suggests that this variant is likely to be disruptive. This variant disrupts the p.Gly1166 amino acid residue in NF1. Other variant(s) that disrupt this residue have been determined to be pathogenic (PMID: 24789688; internal data). This suggests that this residue is clinically significant, and that variants that disrupt this residue are likely to be disease-causing. In summary, the available evidence is currently insufficient to determine the role of this variant in disease. Therefore, it has been classified as a Variant of Uncertain Significance.

Literature cited by the submitters: PubMed 7981679; PubMed 24789688.

NM_001042492.3(NF1):c.3497_3498delinsAT (p.Gly1166Asp)

Gene: NF1 (neurofibromin 1; plus strand). Cytogenetic location: 17q11.2.
Variant type: Indel.
Coding change: c.3497_3498delinsAT on transcript NM_001042492.3 (MANE Select); coding-DNA positions 3497 to 3498, GC replaced by AT.
Protein change: p.Gly1166Asp; replaces glycine 1166 with aspartic acid.
Molecular consequence: missense variant.
Genome position (GRCh38, 1-based): chr17:31,233,002-31,233,003, GC replaced by AT. VCF-style: chr17-31233002-GC-AT. GRCh37 (hg19) VCF-style: chr17-29560020-GC-AT.
Other names: c.3497_3498delGCinsAT, p.Gly1166Asp (NM_000267.4); short protein forms G1166D.
Identifiers: ClinVar variation 3721240 (VCV003721240.2).
Genomic context (GRCh38, chr17:31,233,002, plus strand): 5'-AAGCAAAAATTACTTCAGCAAGGCCATGTTAGTAAATTTGCATCTGTTTGTCCACATTAG[GC>AT]TTAGGTTACCACAAGGATCTCCAGACAAGAGCTACATTTATGGAAGTTCTGACAAAAATC-3'
Protein context (NP_001035957.1, residues 1156-1176): NVDSGLMHSI[Gly1166Asp]LGYHKDLQTR